The following is an entry in ClinVar:

NM_020163.3(SEMA3G):c.1533G>A (p.Arg511=)

Gene: SEMA3G (semaphorin 3G; minus strand). Cytogenetic location: 3p21.1.
Variant type: single nucleotide variant.
Coding change: c.1533G>A on transcript NM_020163.3 (MANE Select); coding-DNA position 1533, G replaced by A.
Protein change: p.Arg511=; no amino-acid change (arginine 511 retained).
Molecular consequence: synonymous variant.
Genome position (GRCh38, 1-based): chr3:52,438,176, C>T on the plus strand (G>A on the coding strand, the complement: SEMA3G is on the minus strand). VCF-style: chr3-52438176-C-T. GRCh37 (hg19) VCF-style: chr3-52472192-C-T.
Identifiers: ClinVar variation 3032715 (VCV003032715.2), dbSNP rs1056835642, ClinGen allele CA74764950.
Genomic context (GRCh38, chr3:52,438,176, plus strand): 5'-CTCTGCACAGGCAGTGCCGTAAGTCTCACATTGGTGCAGCCGCAGCTGGGCCACACCCAG[C>T]CGAGAGCCCACGTATAGCATTTGCTGGGGAGGGACAGAAGCAGAGCCTGAGGTGAGCCCA-3'
Protein context (NP_064548.1, residues 501-521): VKRQMLYVGS[Arg511=]LGVAQLRLHQ

ClinVar aggregate classification (germline): Likely benign (0 of 4 stars; one submission).

Conditions:
SEMA3G-related disorder. Also called: SEMA3G-related condition.

Allele frequency attached by ClinVar (database versions not stated): gnomAD exomes 0.00001; TOPMed 0.00001.
gnomAD v4.1: 6 of 1,613,308 alleles (0.00037%); highest among the groups gnomAD compares: Admixed American, 0.01%; no homozygotes.

Submission:

PreventionGenetics, part of Exact Sciences
Classification: Likely benign for SEMA3G-related condition. Last evaluated: 2021-06-29. Review status: no assertion criteria provided. Collection method: clinical testing. Allele origin: germline.
Comment: This variant is classified as likely benign based on ACMG/AMP sequence variant interpretation guidelines (Richards et al. 2015 PMID: 25741868, with internal and published modifications).